The following is an entry in ClinVar:

NM_003047.5(SLC9A1):c.1936-18A>C

Gene: SLC9A1 (solute carrier family 9 member A1; minus strand). Cytogenetic location: 1p36.11.
Variant type: single nucleotide variant.
Coding change: c.1936-18A>C on transcript NM_003047.5 (MANE Select); 18 bases into the intron before coding-DNA position 1936, A replaced by C.
Molecular consequence: intron variant.
Genome position (GRCh38, 1-based): chr1:27,101,844, T>G on the plus strand (A>C on the coding strand, the complement: SLC9A1 is on the minus strand). VCF-style: chr1-27101844-T-G. GRCh37 (hg19) VCF-style: chr1-27428335-T-G.
Identifiers: ClinVar variation 5009173 (VCV005009173.1).

ClinVar aggregate classification (germline): Uncertain significance (1 of 4 stars; one submission).

Submission:

GeneDx
Classification: Uncertain significance. Last evaluated: 2026-03-13. Review status: criteria provided, single submitter. Criteria: GeneDx Variant Classification Process June 2021. Collection method: clinical testing. Allele origin: germline.
Comment: Not observed at significant frequency in large population cohorts (gnomAD); Has not been previously published as pathogenic or benign to our knowledge; In silico analysis suggests this variant may impact gene splicing. In the absence of RNA/functional studies, the actual effect of this sequence change is unknown.